The following is an entry in ClinVar:

NM_031885.5(BBS2):c.528del (p.Glu178fs)

Gene: BBS2 (Bardet-Biedl syndrome 2; minus strand). Cytogenetic location: 16q13.
Variant type: Deletion.
Coding change: c.528del on transcript NM_031885.5 (MANE Select); coding-DNA position 528, one base deleted (G; older notation c.528delG).
Protein change: p.Glu178fs; shifts the reading frame from glutamic acid 178.
Molecular consequence: frameshift variant. On other transcripts: non-coding transcript variant (5).
Genome position (GRCh38, 1-based): chr16:56,510,865, C deleted on the plus strand (G on the coding strand, the reverse complement: BBS2 is on the minus strand). VCF-style (leftmost placement, unchanged base first): chr16-56510864-TC-T. GRCh37 (hg19) VCF-style: chr16-56544776-TC-T.
Other names: c.528del, p.Glu178fs (NM_001377456.1); short protein forms E178fs.
Identifiers: ClinVar variation 2707609 (VCV002707609.3), dbSNP rs2533672987, ClinGen allele CA2697555834.

ClinVar aggregate classification (germline): Pathogenic (1 of 4 stars; one submission).

Conditions:
Bardet-Biedl syndrome (BBS). Identifiers: Orphanet 110, MedGen C0752166, MONDO:0015229.

Submission:

Labcorp Genetics (formerly Invitae), Labcorp
Classification: Pathogenic for Bardet-Biedl syndrome. Last evaluated: 2024-01-04. Review status: criteria provided, single submitter. Criteria: Invitae Variant Classification Sherloc (09022015). Collection method: clinical testing. Allele origin: germline.
Comment: This sequence change creates a premature translational stop signal (p.Glu178Serfs*23) in the BBS2 gene. It is expected to result in an absent or disrupted protein product. Loss-of-function variants in BBS2 are known to be pathogenic (PMID: 11285252, 20177705, 24608809, 26518167). This variant is not present in population databases (gnomAD no frequency). This variant has not been reported in the literature in individuals affected with BBS2-related conditions. For these reasons, this variant has been classified as Pathogenic.

Literature cited by the submitters: PubMed 11285252; PubMed 20177705; PubMed 24608809; PubMed 26518167.